The following is an entry in ClinVar:

ClinVar aggregate classification (germline): Conflicting classifications of pathogenicity. Review status: criteria provided, conflicting classifications (1 of 4 stars). 2 submissions from 2 submitters: Uncertain significance (1); Likely benign (1). Last evaluated 2025-09-25.

Submissions (2):

GeneDx
Classification: Uncertain significance. Last evaluated: 2025-09-25. Review status: criteria provided, single submitter. Criteria: GeneDx Variant Classification Process June 2021. Collection method: clinical testing. Allele origin: germline. Affected: yes.
Comment: Canonical splice site variant predicted to result in an in-frame loss of the adjacent exon in a gene for which loss of function is a known mechanism of disease; Has not been previously published as pathogenic or benign to our knowledge

Labcorp Genetics (formerly Invitae), Labcorp
Classification: Likely benign. Last evaluated: 2024-03-26. Review status: criteria provided, single submitter. Criteria: Invitae Variant Classification Sherloc (09022015). Collection method: clinical testing. Allele origin: germline.

NM_001384140.1(PCDH15):c.2869-6_2869-2del

Gene: PCDH15 (protocadherin related 15; minus strand). Cytogenetic location: 10q21.1.
Variant type: Microsatellite.
Coding change: c.2869-6_2869-2del on transcript NM_001384140.1 (MANE Select); 6 bases into the intron before coding-DNA position 2869 through the canonical splice acceptor site of the intron before coding-DNA position 2869, 5 bases deleted (TTTTA; older notation c.2869-6_2869-2delTTTTA).
Molecular consequence: splice acceptor variant.
Genome position (GRCh38, 1-based): chr10:53,961,894-53,961,898, TAAAA deleted on the plus strand (TTTTA on the coding strand, the reverse complement: PCDH15 is on the minus strand); deleting any 5 consecutive bases within chr10:53,961,894-53,961,904 gives the same sequence; the c. name uses the placement nearest the transcript's 3' end. VCF-style (leftmost placement, unchanged base first): chr10-53961893-CTAAAA-C. GRCh37 (hg19) VCF-style: chr10-55721653-CTAAAA-C.
Other names: c.2869-6_2869-2del (NM_001354420.2, NM_001354429.2, NM_001142772.2 and 4 more transcripts); c.2884-6_2884-2del (NM_001142771.2, NM_001142763.2); c.2890-6_2890-2del (NM_001354411.2); c.2905-6_2905-2del (NM_001142769.3); c.2803-6_2803-2del (NM_001354404.2, NM_001142773.2, NM_001142768.2); c.2758-6_2758-2del (NM_001142767.2); c.2656-6_2656-2del (NM_001142765.2).
Identifiers: ClinVar variation 1148089 (VCV001148089.8), dbSNP rs752879165, ClinGen allele CA5505886.
Genomic context (GRCh38, chr10:53,961,893, plus strand): 5'-GGCAGGGTAAGGAAACTGTACATCATCTACTCTATACCTCACACGACTTGCAGGTAATCC[CTAAAA>C]TAAAATTATTAATTATTAATTTGCTGTTACCAAGTTAAAACACAGTGCAATGATAATATT-3'